The following is an entry in ClinVar:

NM_006361.6(HOXB13):c.37A>C (p.Lys13Gln)

Gene: HOXB13 (homeobox B13; minus strand). Cytogenetic location: 17q21.32.
Variant type: single nucleotide variant.
Coding change: c.37A>C on transcript NM_006361.6 (MANE Select); coding-DNA position 37, A replaced by C.
Protein change: p.Lys13Gln; replaces lysine 13 with glutamine.
Molecular consequence: missense variant.
Genome position (GRCh38, 1-based): chr17:48,728,557, T>G on the plus strand (A>C on the coding strand, the complement: HOXB13 is on the minus strand). VCF-style: chr17-48728557-T-G. GRCh37 (hg19) VCF-style: chr17-46805919-T-G.
Other names: short protein forms K13Q.
Identifiers: ClinVar variation 3225538 (VCV003225538.1), dbSNP rs1597935301, ClinGen allele CA400109836.
Genomic context (GRCh38, chr17:48,728,557, plus strand): 5'-GAGGGGAGTGGGCGACCAGATTCCGCCCCCCTCCCGCTCCCAGCAAGCCTTCGATATCCT[T>G]GGCTCCATCCAAGGTGGCATAATTGCCGGGCTCCATGGAGCCGAGGGTCGGCTCATGAGG-3'
Protein context (NP_006352.2, residues 3-23): PGNYATLDGA[Lys13Gln]DIEGLLGAGG

ClinVar aggregate classification (germline): Uncertain significance (1 of 4 stars; one submission).

Conditions:
Hereditary cancer-predisposing syndrome. Also called: Neoplastic Syndromes, Hereditary; Tumor predisposition; Hereditary neoplastic syndrome; Hereditary Cancer Syndrome. Identifiers: Orphanet 140162, MedGen C0027672, MeSH D009386, MONDO:0015356.

Submission:

Ambry Genetics
Classification: Uncertain significance for Hereditary cancer-predisposing syndrome. Last evaluated: 2023-10-21. Review status: criteria provided, single submitter. Criteria: Ambry Variant Classification Scheme 2023. Collection method: clinical testing. Allele origin: germline.
Comment: The p.K13Q variant (also known as c.37A>C), located in coding exon 1 of the HOXB13 gene, results from an A to C substitution at nucleotide position 37. The lysine at codon 13 is replaced by glutamine, an amino acid with similar properties. This amino acid position is conserved. In addition, the in silico prediction for this alteration is inconclusive. Since supporting evidence is limited at this time, the clinical significance of this alteration remains unclear.